The following is an entry in ClinVar:

NM_001145715.3(KPNA7):c.231A>T (p.Lys77Asn)

Gene: KPNA7 (karyopherin subunit alpha 7; minus strand). Cytogenetic location: 7q22.1.
Variant type: single nucleotide variant.
Coding change: c.231A>T on transcript NM_001145715.3 (MANE Select); coding-DNA position 231, A replaced by T.
Protein change: p.Lys77Asn; replaces lysine 77 with asparagine.
Molecular consequence: missense variant.
Genome position (GRCh38, 1-based): chr7:99,196,137, T>A on the plus strand (A>T on the coding strand, the complement: KPNA7 is on the minus strand). VCF-style: chr7-99196137-T-A. GRCh37 (hg19) VCF-style: chr7-98793760-T-A.
Other names: short protein forms K77N.
Identifiers: ClinVar variation 2141707 (VCV002141707.4), dbSNP rs1790220301, ClinGen allele CA368421019.

ClinVar aggregate classification (germline): Uncertain significance (1 of 4 stars; one submission).

Submission:

Labcorp Genetics (formerly Invitae), Labcorp
Classification: Uncertain significance. Last evaluated: 2022-05-05. Review status: criteria provided, single submitter. Criteria: Invitae Variant Classification Sherloc (09022015). Collection method: clinical testing. Allele origin: germline.
Comment: In summary, the available evidence is currently insufficient to determine the role of this variant in disease. Therefore, it has been classified as a Variant of Uncertain Significance. Algorithms developed to predict the effect of missense changes on protein structure and function output the following: SIFT: "Tolerated"; PolyPhen-2: "Benign"; Align-GVGD: "Class C0". The asparagine amino acid residue is found in multiple mammalian species, which suggests that this missense change does not adversely affect protein function. This variant has not been reported in the literature in individuals affected with KPNA7-related conditions. This variant is not present in population databases (gnomAD no frequency). This sequence change replaces lysine, which is basic and polar, with asparagine, which is neutral and polar, at codon 77 of the KPNA7 protein (p.Lys77Asn).